The following is an entry in ClinVar:

ClinVar aggregate classification (germline): Uncertain significance (1 of 4 stars; one submission).

Conditions:
IFT56-related disorder. Also called: IFT56-related condition.

gnomAD v4.1: 12 of 1,581,202 alleles (0.00076%); highest among the groups gnomAD compares: Middle Eastern, 0.039%; no homozygotes.

Submission:

PreventionGenetics, part of Exact Sciences
Classification: Uncertain significance for IFT56-related condition. Last evaluated: 2026-06-09. Review status: criteria provided, single submitter. Criteria: ACMG Guidelines, 2015. Collection method: clinical testing. Allele origin: germline.
Comment: The IFT56 c.944C>T variant is predicted to result in the amino acid substitution p.Thr315Ile. To our knowledge, this variant has not been reported in the literature. This variant is reported in 0.037% of alleles in individuals of African descent in gnomAD. At this time, the clinical significance of this variant is uncertain due to the absence of conclusive functional and genetic evidence.

NM_024926.4(IFT56):c.944C>T (p.Thr315Ile)

Gene: IFT56 (intraflagellar transport 56; plus strand). Cytogenetic location: 7q34.
Variant type: single nucleotide variant.
Coding change: c.944C>T on transcript NM_024926.4 (MANE Select); coding-DNA position 944, C replaced by T.
Protein change: p.Thr315Ile; replaces threonine 315 with isoleucine.
Molecular consequence: missense variant.
Genome position (GRCh38, 1-based): chr7:139,166,888, C>T. VCF-style: chr7-139166888-C-T. GRCh37 (hg19) VCF-style: chr7-138851634-C-T.
Other names: c.944C>T, p.Thr315Ile (NM_001144920.3, NM_001321740.2); c.851C>T, p.Thr284Ile (NM_001144923.3); c.551C>T, p.Thr184Ile (NM_001287512.2); c.629C>T, p.Thr210Ile (NM_001287513.2); c.524C>T, p.Thr175Ile (NM_001318333.2); c.626C>T, p.Thr209Ile (NM_001321741.2); short protein forms T284I, T315I, T210I, T175I, T184I, T209I.
Identifiers: ClinVar variation 5001127 (VCV005001127.1).